The following is an entry in ClinVar:

ClinVar aggregate classification (germline): Uncertain significance (1 of 4 stars; one submission).

Conditions:
Hypertrophic cardiomyopathy. Also called: HYPERTROPHIC MYOCARDIOPATHY. Identifiers: Orphanet 217569, MedGen C0007194, MeSH D002312, MONDO:0005045, HP:0001639.

Submission:

Labcorp Genetics (formerly Invitae), Labcorp
Classification: Uncertain significance for Hypertrophic cardiomyopathy. Last evaluated: 2019-11-06. Review status: criteria provided, single submitter. Criteria: Invitae Variant Classification Sherloc (09022015). Collection method: clinical testing. Allele origin: germline.
Comment: In summary, the available evidence is currently insufficient to determine the role of this variant in disease. Therefore, it has been classified as a Variant of Uncertain Significance. Algorithms developed to predict the effect of missense changes on protein structure and function (SIFT, PolyPhen-2, Align-GVGD) all suggest that this variant is likely to be disruptive, but these predictions have not been confirmed by published functional studies and their clinical significance is uncertain. This variant has not been reported in the literature in individuals with MYBPC3-related conditions. This variant is not present in population databases (ExAC no frequency). This sequence change replaces glutamic acid with aspartic acid at codon 451 of the MYBPC3 protein (p.Glu451Asp). The glutamic acid residue is highly conserved and there is a small physicochemical difference between glutamic acid and aspartic acid.

NM_000256.3(MYBPC3):c.1353G>T (p.Glu451Asp)

Gene: MYBPC3 (myosin binding protein C3; minus strand). Cytogenetic location: 11p11.2.
Variant type: single nucleotide variant.
Coding change: c.1353G>T on transcript NM_000256.3 (MANE Select); coding-DNA position 1353, G replaced by T.
Protein change: p.Glu451Asp; replaces glutamic acid 451 with aspartic acid.
Molecular consequence: missense variant.
Genome position (GRCh38, 1-based): chr11:47,342,934, C>A on the plus strand (G>T on the coding strand, the complement: MYBPC3 is on the minus strand). VCF-style: chr11-47342934-C-A. GRCh37 (hg19) VCF-style: chr11-47364485-C-A.
Other names: short protein forms E451D.
Identifiers: ClinVar variation 955016 (VCV000955016.9), dbSNP rs1280352639, ClinGen allele CA380326488.